The following is an entry in ClinVar:

ClinVar aggregate classification (germline): Conflicting classifications of pathogenicity. Review status: criteria provided, conflicting classifications (1 of 4 stars). 5 submissions from 4 submitters: Uncertain significance (3); Likely benign (1). 1 of the submissions does not count toward it. Last evaluated 2025-11-07.

Conditions:
Familial thoracic aortic aneurysm and aortic dissection (TAAD). Also called: Thoracic aortic aneurysms and dissections. Identifiers: Orphanet 91387, MedGen C4707243, MONDO:0019625.
Congenital contractural arachnodactyly (CCA). Also called: Arthrogryposis, distal, type 9; BEALS SYNDROME; Beals-Hecht syndrome. Identifiers: Orphanet 115, MedGen C0220668, MONDO:0007363, OMIM 121050.

Allele frequency attached by ClinVar (database versions not stated): ExAC 0.00002; gnomAD exomes 0.00002; TOPMed 0.00002; ESP Exome Variant Server 0.00008.
gnomAD v4.1: 26 of 1,604,718 alleles (0.0016%); highest among the groups gnomAD compares: African/African-American, 0.0041%; no homozygotes.

Submissions (5):

Labcorp Genetics (formerly Invitae), Labcorp
Classification: Likely benign for Congenital contractural arachnodactyly. Last evaluated: 2025-11-07. Review status: criteria provided, single submitter. Criteria: Invitae Variant Classification Sherloc (09022015). Collection method: clinical testing. Allele origin: germline.

Ambry Genetics
Classification: Uncertain significance for Familial thoracic aortic aneurysm and aortic dissection. Last evaluated: 2025-11-05. Review status: criteria provided, single submitter. Criteria: Ambry Variant Classification Scheme 2023. Collection method: clinical testing. Allele origin: germline.
Comment: The p.R1893H variant (also known as c.5678G>A), located in coding exon 45 of the FBN2 gene, results from a G to A substitution at nucleotide position 5678. The arginine at codon 1893 is replaced by histidine, an amino acid with highly similar properties. This amino acid position is highly conserved in available vertebrate species. In addition, the in silico prediction for this alteration is inconclusive. Based on the available evidence, the clinical significance of this variant remains unclear.

CeGaT Center for Human Genetics Tuebingen
Classification: Uncertain significance. Last evaluated: 2022-08-01. Review status: criteria provided, single submitter. Criteria: CeGaT Center For Human Genetics Tuebingen Variant Classification Criteria Version 2. Collection method: clinical testing. Allele origin: germline. Affected: yes. Observed: 2 variant alleles.

GeneDx
Classification: Uncertain significance. Last evaluated: 2019-01-07. Review status: criteria provided, single submitter. Criteria: GeneDx Variant Classification Process June 2021. Collection method: clinical testing. Allele origin: germline. Affected: yes.
Comment: Has not been previously published as pathogenic or benign to our knowledge; Not observed at a significant frequency in large population cohorts (Lek et al., 2016); Identified both independently and in conjunction with additional variants in individuals referred for connective tissue disorder genetic testing at GeneDx; In silico analysis, which includes protein predictors and evolutionary conservation, supports a deleterious effect; Although located in a calcium-binding EGF-like domain of the FBN2 gene, it does not affect a cysteine residue within this domain; cysteine substitutions in the calcium-binding EGF-like domains represent the majority of pathogenic missense changes associated with FBN2-related disorders (Collod-Beroud et al., 2003; Frederic et al., 2009)

GeneDx
Classification: Uncertain significance. Last evaluated: 2016-11-18. Review status: flagged submission. Criteria: GeneDx Variant Classification (06012015). Collection method: clinical testing. Allele origin: germline. Affected: yes. Not counted in ClinVar's aggregate classification.
Comment: A variant of uncertain significance has been identified in the FBN2 gene. The R1893H variant has not been published as a pathogenic variant, nor has it been reported as a benign variant to our knowledge. This variant was not observed at a significant frequency in approximately 6,500 individuals of European and African American ancestry in the NHLBI Exome Sequencing Project, indicating it is not a common benign variant in these populations. In silico analysis predicts this variant is probably damaging to the protein structure/function. However, the R1893H variant is a conservative amino acid substitution, which is not likely to impact secondary protein structure as these residues share similar properties. This substitution occurs at a position that is not conserved across species. Furthermore, although the R1893H variant occurs within a calcium-binding EGF-like domain of the FBN2 gene, it does not affect a Cysteine residue. Cysteine substitutions in the calcium-binding EGF-like domains represent the majority of pathogenic missense changes associated with congenital arachnodactyly (Collod-Beroud et al., 2003; FrÃ©dÃ©ric et al., 2009).Therefore, based on the currently available information, it is unclear whether this variant is pathogenic or benign.
ClinVar note: Reason: This record appears to be redundant with a more recent record from the same submitter.
ClinVar note: Notes: SCV000491826 appears to be redundant with SCV001815233.

NM_001999.4(FBN2):c.5678G>A (p.Arg1893His)

Gene: FBN2 (fibrillin 2; minus strand). Cytogenetic location: 5q23.3.
Variant type: single nucleotide variant.
Coding change: c.5678G>A on transcript NM_001999.4 (MANE Select); coding-DNA position 5678, G replaced by A.
Protein change: p.Arg1893His; replaces arginine 1893 with histidine.
Molecular consequence: missense variant.
Genome position (GRCh38, 1-based): chr5:128,305,079, C>T on the plus strand (G>A on the coding strand, the complement: FBN2 is on the minus strand). VCF-style: chr5-128305079-C-T. GRCh37 (hg19) VCF-style: chr5-127640771-C-T.
Other names: short protein forms R1893H.
Identifiers: ClinVar variation 373247 (VCV000373247.42), dbSNP rs368384428, ClinGen allele CA3394620.
Genomic context (GRCh38, chr5:128,305,079, plus strand): 5'-CCTTGCAGATCAACACACAAGCCATGACTGCAAACGTTAGGAATTTCTAAACATTCATTG[C>T]GATCTAAAACAGAAAAAAATAAATGTTACATGTATCTGATTTTTATTAAGATTTCTTCAT-3'
Protein context (NP_001990.2, residues 1883-1903): KLSPNGACVD[Arg1893His]NECLEIPNVC